The following is an entry in ClinVar:

NM_015570.4(AUTS2):c.1774C>G (p.Pro592Ala)

Gene: AUTS2 (activator of transcription and developmental regulator AUTS2; plus strand). Cytogenetic location: 7q11.22.
Variant type: single nucleotide variant.
Coding change: c.1774C>G on transcript NM_015570.4 (MANE Select); coding-DNA position 1774, C replaced by G.
Protein change: p.Pro592Ala; replaces proline 592 with alanine.
Molecular consequence: missense variant.
Genome position (GRCh38, 1-based): chr7:70,771,588, C>G. VCF-style: chr7-70771588-C-G. GRCh37 (hg19) VCF-style: chr7-70236574-C-G.
Other names: c.1774C>G, p.Pro592Ala (NM_001127231.3); short protein forms P592A.
Identifiers: ClinVar variation 376942 (VCV000376942.20), dbSNP rs199756061, ClinGen allele CA4280779.

ClinVar aggregate classification (germline): Benign/Likely benign. Review status: criteria provided, multiple submitters, no conflicts (2 of 4 stars). 5 submissions from 5 submitters: Benign (2); Likely benign (1). 2 of the submissions do not count toward it. Last evaluated 2026-01-19.

Conditions:
Intellectual disability. Also called: Intellectual developmental disorder; Intellectual functioning disability; intellectual disabilities. Identifiers: MedGen C3714756, MeSH D008607, MONDO:0001071, HP:0001249.
AUTS2-related disorder. Also called: AUTS2-related condition.

Allele frequency attached by ClinVar (database versions not stated): TOPMed 0.00009; 1000 Genomes Project 30x 0.00390; gnomAD 0.00006; 1000 Genomes Project 0.00319.
gnomAD v4.1: 2,105 of 1,613,758 alleles (0.13%); highest among the groups gnomAD compares: South Asian, 2.1%; 46 homozygotes.

Submissions (5):

Labcorp Genetics (formerly Invitae), Labcorp
Classification: Benign. Last evaluated: 2026-01-19. Review status: criteria provided, single submitter. Criteria: Invitae Variant Classification Sherloc (09022015). Collection method: clinical testing. Allele origin: germline.

GeneDx
Classification: Benign. Last evaluated: 2020-02-17. Review status: criteria provided, single submitter. Criteria: GeneDx Variant Classification Process June 2021. Collection method: clinical testing. Allele origin: germline. Affected: yes.

Center for Pediatric Genomic Medicine, Children's Mercy Hospital and Clinics
Classification: Likely benign. Last evaluated: 2017-02-09. Review status: criteria provided, single submitter. Criteria: ACMG Guidelines, 2015. Collection method: clinical testing. Allele origin: germline.
ClinVar note: Converted during submission from Likely Benign to Likely benign.

PreventionGenetics, part of Exact Sciences
Classification: Benign for AUTS2-related condition. Last evaluated: 2021-11-04. Review status: no assertion criteria provided. Collection method: clinical testing. Allele origin: germline. Not counted in ClinVar's aggregate classification.
Comment: This variant is classified as benign based on ACMG/AMP sequence variant interpretation guidelines (Richards et al. 2015 PMID: 25741868, with internal and published modifications).

Centre de Biologie Pathologie Génétique, Centre Hospitalier Universitaire de Lille
Classification: Likely benign for Intellectual disability. Last evaluated: 2019-01-01. Review status: no assertion criteria provided. Collection method: clinical testing. Allele origin: inherited. Affected: yes. Not counted in ClinVar's aggregate classification.